The following is an entry in ClinVar:

NM_032444.4(SLX4):c.2513A>G (p.Asp838Gly)

Gene: SLX4 (SLX4 structure-specific endonuclease subunit; minus strand). Cytogenetic location: 16p13.3.
Variant type: single nucleotide variant.
Coding change: c.2513A>G on transcript NM_032444.4 (MANE Select); coding-DNA position 2513, A replaced by G.
Protein change: p.Asp838Gly; replaces aspartic acid 838 with glycine.
Molecular consequence: missense variant.
Genome position (GRCh38, 1-based): chr16:3,591,125, T>C on the plus strand (A>G on the coding strand, the complement: SLX4 is on the minus strand). VCF-style: chr16-3591125-T-C. GRCh37 (hg19) VCF-style: chr16-3641126-T-C.
Other names: c.2513A>G (LRG_503t1); short protein forms D838G.
Identifiers: ClinVar variation 407908 (VCV000407908.5), dbSNP rs1060501794, ClinGen allele CA16615332.

ClinVar aggregate classification (germline): Uncertain significance (1 of 4 stars; one submission).

Conditions:
Fanconi anemia (FA). Also called: Fanconi's anemia. Identifiers: Orphanet 84, MedGen C0015625, MeSH D005199, MONDO:0019391.

Allele frequency attached by ClinVar (database versions not stated): gnomAD exomes below 0.00001; gnomAD 0.00001; TOPMed 0.00001.
gnomAD v4.1: 8 of 1,614,116 alleles (0.0005%); highest among the groups gnomAD compares: African/African-American, 0.0013%; no homozygotes.

Submission:

Labcorp Genetics (formerly Invitae), Labcorp
Classification: Uncertain significance for Fanconi anemia. Last evaluated: 2024-04-05. Review status: criteria provided, single submitter. Criteria: Invitae Variant Classification Sherloc (09022015). Collection method: clinical testing. Allele origin: germline.
Comment: This sequence change replaces aspartic acid, which is acidic and polar, with glycine, which is neutral and non-polar, at codon 838 of the SLX4 protein (p.Asp838Gly). This variant is present in population databases (no rsID available, gnomAD 0.0009%). This variant has not been reported in the literature in individuals affected with SLX4-related conditions. ClinVar contains an entry for this variant (Variation ID: 407908). Algorithms developed to predict the effect of missense changes on protein structure and function output the following: SIFT: "Not Available"; PolyPhen-2: "Benign"; Align-GVGD: "Not Available". The glycine amino acid residue is found in multiple mammalian species, which suggests that this missense change does not adversely affect protein function. In summary, the available evidence is currently insufficient to determine the role of this variant in disease. Therefore, it has been classified as a Variant of Uncertain Significance.